The following is an entry in ClinVar:

NM_006059.4(LAMC3):c.3508_3525dup (p.Ala1170_Ala1175dup)

Gene: LAMC3 (laminin subunit gamma 3; plus strand). Cytogenetic location: 9q34.12.
Variant type: Duplication.
Coding change: c.3508_3525dup on transcript NM_006059.4 (MANE Select); coding-DNA positions 3508 to 3525, 18 bases duplicated (GCCACCAAGATCGCAGCC).
Protein change: p.Ala1170_Ala1175dup.
Molecular consequence: inframe insertion.
Genome position (GRCh38, 1-based): chr9:131,075,844-131,075,861, GCCACCAAGATCGCAGCC duplicated; duplicating any 18 consecutive bases within chr9:131,075,842-131,075,861 gives the same sequence; the c. name uses the placement nearest the transcript's 3' end. VCF-style (leftmost placement, unchanged base first): chr9-131075841-A-ACCGCCACCAAGATCGCAG. GRCh37 (hg19) VCF-style: chr9-133951228-A-ACCGCCACCAAGATCGCAG.
Identifiers: ClinVar variation 1305533 (VCV001305533.6), dbSNP rs767643127, ClinGen allele CA5287838.
Genomic context (GRCh38, chr9:131,075,841, plus strand): 5'-CCCCTTCCCTGCGAGCCCTTGGTAATGCTCAGGTGGGTGTCCTCACACAGCCACAGAGAC[A>ACCGCCACCAAGATCGCAG]CCGCCACCAAGATCGCAGCCACTGCTTGGAGGGCCCTGCTCGCCTCCAACACCAGCTACG-3'

ClinVar aggregate classification (germline): Uncertain significance. Review status: criteria provided, multiple submitters, no conflicts (2 of 4 stars). 2 submissions from 2 submitters: Uncertain significance (2). Last evaluated 2022-08-23.

Submissions (2):

Labcorp Genetics (formerly Invitae), Labcorp
Classification: Uncertain significance. Last evaluated: 2022-08-23. Review status: criteria provided, single submitter. Criteria: Invitae Variant Classification Sherloc (09022015). Collection method: clinical testing. Allele origin: germline.
Comment: This variant, c.3508_3525dup, results in the insertion of 6 amino acid(s) of the LAMC3 protein (p.Ala1170_Ala1175dup), but otherwise preserves the integrity of the reading frame. This variant is present in population databases (rs767643127, gnomAD 0.004%). This variant has not been reported in the literature in individuals affected with LAMC3-related conditions. ClinVar contains an entry for this variant (Variation ID: 1305533). Experimental studies and prediction algorithms are not available or were not evaluated, and the functional significance of this variant is currently unknown. In summary, the available evidence is currently insufficient to determine the role of this variant in disease. Therefore, it has been classified as a Variant of Uncertain Significance.

GeneDx
Classification: Uncertain significance. Last evaluated: 2019-01-18. Review status: criteria provided, single submitter. Criteria: GeneDx Variant Classification Process June 2021. Collection method: clinical testing. Allele origin: germline. Affected: yes.
Comment: Not observed at a significant frequency in large population cohorts (Lek et al., 2016); In-frame insertion of 6 amino acids in a non-repeat region; Has not been previously published as pathogenic or benign to our knowledge